The following is an entry in ClinVar:

ClinVar aggregate classification (germline): Uncertain significance (1 of 4 stars; one submission).

Conditions:
Hereditary cancer-predisposing syndrome. Also called: Tumor predisposition; Hereditary Cancer Syndrome; Hereditary neoplastic syndrome; Neoplastic Syndromes, Hereditary. Identifiers: Orphanet 140162, MedGen C0027672, MeSH D009386, MONDO:0015356.

Submission:

Labcorp Genetics (formerly Invitae), Labcorp
Classification: Uncertain significance for Hereditary cancer-predisposing syndrome. Last evaluated: 2020-12-29. Review status: criteria provided, single submitter. Criteria: Invitae Variant Classification Sherloc (09022015). Collection method: clinical testing. Allele origin: germline.
Comment: In summary, the available evidence is currently insufficient to determine the role of this variant in disease. Therefore, it has been classified as a Variant of Uncertain Significance. Nucleotide substitutions within the consensus splice site are a relatively common cause of aberrant splicing (PMID: 17576681, 9536098). Algorithms developed to predict the effect of sequence changes on RNA splicing suggest that this variant is not likely to affect RNA splicing, but this prediction has not been confirmed by published transcriptional studies. This variant has not been reported in the literature in individuals with RAD50-related conditions. This variant is not present in population databases (ExAC no frequency). This sequence change falls in intron 1 of the RAD50 gene. It does not directly change the encoded amino acid sequence of the RAD50 protein. It affects a nucleotide within the consensus splice site of the intron.

Literature cited by the submitters: PubMed 17576681; PubMed 9536098.

NM_005732.4(RAD50):c.129+4A>G

Gene: RAD50 (RAD50 double strand break repair protein; plus strand). Cytogenetic location: 5q31.1.
Variant type: single nucleotide variant.
Coding change: c.129+4A>G on transcript NM_005732.4 (MANE Select); 4 bases into the intron after coding-DNA position 129, A replaced by G.
Molecular consequence: intron variant.
Genome position (GRCh38, 1-based): chr5:132,557,457, A>G. VCF-style: chr5-132557457-A-G. GRCh37 (hg19) VCF-style: chr5-131893149-A-G.
Identifiers: ClinVar variation 1479653 (VCV001479653.6), dbSNP rs2149830214, ClinGen allele CA2573139063.
Genomic context (GRCh38, chr5:132,557,457, plus strand): 5'-ATCACTTTCTTCAGCCCCCTTACAATTTTGGTTGGACCCAATGGGGCGGGAAAGACGGTA[A>G]GTCTTCAGTAGCCGCCTTCAGTTTACAGGTCGCTACATCTTTCGGAGAATAAAATGGGAA-3'